The following is an entry in ClinVar:

NM_006070.6(TFG):c.1118C>T (p.Pro373Leu)

Gene: TFG (trafficking from ER to golgi regulator; plus strand). Cytogenetic location: 3q12.2.
Variant type: single nucleotide variant.
Coding change: c.1118C>T on transcript NM_006070.6 (MANE Select); coding-DNA position 1118, C replaced by T.
Protein change: p.Pro373Leu; replaces proline 373 with leucine.
Molecular consequence: missense variant.
Genome position (GRCh38, 1-based): chr3:100,748,446, C>T. VCF-style: chr3-100748446-C-T. GRCh37 (hg19) VCF-style: chr3-100467290-C-T.
Other names: c.1118C>T, p.Pro373Leu (NM_001007565.2, NM_001195478.2); c.1106C>T, p.Pro369Leu (NM_001195479.2); short protein forms P369L, P373L.
Identifiers: ClinVar variation 4782707 (VCV004782707.1).

ClinVar aggregate classification (germline): Uncertain significance (1 of 4 stars; one submission).

Conditions:
Hereditary motor and sensory neuropathy, Okinawa type (HMSNO). Also called: HEREDITARY MOTOR AND SENSORY NEUROPATHY, PROXIMAL TYPE. Identifiers: Orphanet 90117, MedGen C1858338, MONDO:0011468, OMIM 604484.
Hereditary spastic paraplegia 57. Also called: Spastic paraplegia 57, autosomal recessive. Identifiers: Orphanet 431329, MedGen C3714897, MONDO:0014295, OMIM 615658.

Submission:

Labcorp Genetics (formerly Invitae), Labcorp
Classification: Uncertain significance for Hereditary motor and sensory neuropathy, Okinawa type; Hereditary spastic paraplegia 57. Last evaluated: 2025-04-23. Review status: criteria provided, single submitter. Criteria: Invitae Variant Classification Sherloc (09022015). Collection method: clinical testing. Allele origin: germline.
Comment: This sequence change replaces proline, which is neutral and non-polar, with leucine, which is neutral and non-polar, at codon 373 of the TFG protein (p.Pro373Leu). This variant is not present in population databases (gnomAD no frequency). This variant has not been reported in the literature in individuals affected with TFG-related conditions. Invitae Evidence Modeling of protein sequence and biophysical properties (such as structural, functional, and spatial information, amino acid conservation, physicochemical variation, residue mobility, and thermodynamic stability) indicates that this missense variant is not expected to disrupt TFG protein function with a negative predictive value of 80%. In summary, the available evidence is currently insufficient to determine the role of this variant in disease. Therefore, it has been classified as a Variant of Uncertain Significance.